The following is an entry in ClinVar:

NM_001163435.3(TBCK):c.551A>T (p.Lys184Ile)

Gene: TBCK (TBC1 domain containing kinase; minus strand). Cytogenetic location: 4q24.
Variant type: single nucleotide variant.
Coding change: c.551A>T on transcript NM_001163435.3 (MANE Select); coding-DNA position 551, A replaced by T.
Protein change: p.Lys184Ile; replaces lysine 184 with isoleucine.
Molecular consequence: missense variant. On other transcripts: intron variant (1).
Genome position (GRCh38, 1-based): chr4:106,251,912, T>A on the plus strand (A>T on the coding strand, the complement: TBCK is on the minus strand). VCF-style: chr4-106251912-T-A. GRCh37 (hg19) VCF-style: chr4-107173069-T-A.
Other names: c.551A>T, p.Lys184Ile (NM_001163436.4); c.35A>T, p.Lys12Ile (NM_001290768.2); c.362A>T, p.Lys121Ile (NM_033115.5); c.480+71A>T (NM_001163437.3); short protein forms K121I, K12I, K184I.
Identifiers: ClinVar variation 1055719 (VCV001055719.3), dbSNP rs772602911, ClinGen allele CA3035416.
Genomic context (GRCh38, chr4:106,251,912, plus strand): 5'-TTCTTTATACATACCACACAAAGCTCAAATAAAATGATTCCAAGAGACCATACATCTGAT[T>A]TGGGGCCAGAAGGCAATGGTTTTTTACTTGGCATGTGATCAGTGGTTTTGAAAATTCCCT-3'
Protein context (NP_001156907.2, residues 174-194): PSKKPLPSGP[Lys184Ile]SDVWSLGIIL

ClinVar aggregate classification (germline): Uncertain significance (1 of 4 stars; one submission).

Allele frequency attached by ClinVar (database versions not stated): gnomAD 0.00001 and 0.00005; TOPMed 0.00003.
gnomAD v4.1: 131 of 1,611,354 alleles (0.0081%); highest among the groups gnomAD compares: South Asian, 0.11%; 2 homozygotes.

Submission:

Labcorp Genetics (formerly Invitae), Labcorp
Classification: Uncertain significance. Last evaluated: 2025-01-14. Review status: criteria provided, single submitter. Criteria: Invitae Variant Classification Sherloc (09022015). Collection method: clinical testing. Allele origin: germline.
Comment: This sequence change replaces lysine, which is basic and polar, with isoleucine, which is neutral and non-polar, at codon 184 of the TBCK protein (p.Lys184Ile). This variant is present in population databases (rs772602911, gnomAD 0.09%). This variant has not been reported in the literature in individuals affected with TBCK-related conditions. ClinVar contains an entry for this variant (Variation ID: 1055719). Invitae Evidence Modeling of protein sequence and biophysical properties (such as structural, functional, and spatial information, amino acid conservation, physicochemical variation, residue mobility, and thermodynamic stability) indicates that this missense variant is expected to disrupt TBCK protein function with a positive predictive value of 80%. In summary, the available evidence is currently insufficient to determine the role of this variant in disease. Therefore, it has been classified as a Variant of Uncertain Significance.